The following is an entry in ClinVar:

NM_001278716.2(FBXL4):c.1252G>C (p.Ala418Pro)

Gene: FBXL4 (F-box and leucine rich repeat protein 4; minus strand). Cytogenetic location: 6q16.1.
Variant type: single nucleotide variant.
Coding change: c.1252G>C on transcript NM_001278716.2 (MANE Select); coding-DNA position 1252, G replaced by C.
Protein change: p.Ala418Pro; replaces alanine 418 with proline.
Molecular consequence: missense variant. On other transcripts: non-coding transcript variant (2).
Genome position (GRCh38, 1-based): chr6:98,899,333, C>G on the plus strand (G>C on the coding strand, the complement: FBXL4 is on the minus strand). VCF-style: chr6-98899333-C-G. GRCh37 (hg19) VCF-style: chr6-99347209-C-G.
Other names: c.1252G>C (NM_012160.3); c.1252G>C, p.Ala418Pro (NM_012160.5); short protein forms A418P.
Identifiers: ClinVar variation 976769 (VCV000976769.5), dbSNP rs542852839, ClinGen allele CA16021275.
Genomic context (GRCh38, chr6:98,899,333, plus strand): 5'-CTTTTGTTCGATAGAGAACAAGTCGTTTAAGGCTGCATAACTTGGCAATGTGGTTGAAAG[C>G]TTGAGGTGGTAGCTTATCACAGGAGGAGAGATTTAAGGCCTGTAGATTTGGACACATCTC-3'
Protein context (NP_001265645.1, residues 408-428): LSSCDKLPPQ[Ala418Pro]FNHIAKLCSL

ClinVar aggregate classification (germline): Conflicting classifications of pathogenicity. Review status: criteria provided, conflicting classifications (1 of 4 stars). 3 submissions from 3 submitters: Likely pathogenic (1); Uncertain significance (2). Last evaluated 2024-01-12.

Conditions:
Mitochondrial DNA depletion syndrome 13. Also called: Mitochondrial DNA depletion syndrome 13 (encephalomyopathic type); FBXL4-Related Encephalomyopathic Mitochondrial DNA Depletion Syndrome. Identifiers: Orphanet 369897, MedGen C3809592, MONDO:0014198, OMIM 615471.

gnomAD v4.1: 12 of 1,613,956 alleles (0.00074%); highest among the groups gnomAD compares: Non-Finnish European, 0.001%; no homozygotes.

Submissions (3):

Women's Health and Genetics/Laboratory Corporation of America, LabCorp
Classification: Uncertain significance. Last evaluated: 2024-01-12. Review status: criteria provided, single submitter. Criteria: LabCorp Variant Classification Summary - May 2015. Collection method: clinical testing. Allele origin: germline.
Comment: Variant summary: FBXL4 c.1252G>C (p.Ala418Pro) results in a non-conservative amino acid change in the encoded protein sequence. Four of five in-silico tools predict a damaging effect of the variant on protein function. The variant was absent in 251140 control chromosomes. The available data on variant occurrences in the general population are insufficient to allow any conclusion about variant significance. To our knowledge, no occurrence of c.1252G>C in individuals affected with Leigh Syndrome and no experimental evidence demonstrating its impact on protein function have been reported. ClinVar contains an entry for this variant (Variation ID: 976769. Likely pathogenic, n=1; VUS, n=1). Based on the evidence outlined above, the variant was classified as uncertain significance.

GeneDx
Classification: Uncertain significance. Last evaluated: 2023-06-22. Review status: criteria provided, single submitter. Criteria: GeneDx Variant Classification Process June 2021. Collection method: clinical testing. Allele origin: germline. Affected: yes.
Comment: Not observed at significant frequency in large population cohorts (gnomAD); In silico analysis supports that this missense variant does not alter protein structure/function; Has not been previously published as pathogenic or benign to our knowledge

Institute of Human Genetics Munich, TUM University Hospital
Classification: Likely pathogenic for Mitochondrial DNA depletion syndrome 13. Last evaluated: 2019-10-04. Review status: criteria provided, single submitter. Criteria: Classification criteria August 2017. Collection method: clinical testing. Allele origin: maternal. Inheritance: Autosomal recessive inheritance. Affected: yes. Observed: 1 compound heterozygote.